The following is an entry in ClinVar:

NM_000059.4(BRCA2):c.7943G>T (p.Ser2648Ile)

Gene: BRCA2 (BRCA2 DNA repair associated; plus strand). Cytogenetic location: 13q13.1.
Variant type: single nucleotide variant.
Coding change: c.7943G>T on transcript NM_000059.4 (MANE Select); coding-DNA position 7943, G replaced by T.
Protein change: p.Ser2648Ile; replaces serine 2648 with isoleucine.
Molecular consequence: missense variant.
Genome position (GRCh38, 1-based): chr13:32,362,660, G>T. VCF-style: chr13-32362660-G-T. GRCh37 (hg19) VCF-style: chr13-32936797-G-T.
Other names: short protein forms S2648I.
Identifiers: ClinVar variation 409601 (VCV000409601.9), dbSNP rs1060502492, ClinGen allele CA16614218.

ClinVar aggregate classification (germline): Uncertain significance (1 of 4 stars; one submission).

Conditions:
Hereditary breast ovarian cancer syndrome. Also called: Hereditary breast and ovarian cancer; Hereditary breast and/or ovarian cancer syndrome; BRCA1- and BRCA2-Associated Hereditary Breast and Ovarian Cancer; Hereditary breast and ovarian cancer syndrome; Hereditary breast and ovarian cancer syndrome (HBOC); Breast and ovarian cancer. Identifiers: Orphanet 145, MedGen C0677776, MeSH D061325, MONDO:0003582. Disease mechanism: loss of function.

Submission:

Labcorp Genetics (formerly Invitae), Labcorp
Classification: Uncertain significance for Hereditary breast ovarian cancer syndrome. Last evaluated: 2025-01-06. Review status: criteria provided, single submitter. Criteria: Invitae Variant Classification Sherloc (09022015). Collection method: clinical testing. Allele origin: germline.
Comment: This sequence change replaces serine, which is neutral and polar, with isoleucine, which is neutral and non-polar, at codon 2648 of the BRCA2 protein (p.Ser2648Ile). This variant is not present in population databases (gnomAD no frequency). This variant has not been reported in the literature in individuals affected with BRCA2-related conditions. ClinVar contains an entry for this variant (Variation ID: 409601). Invitae Evidence Modeling of protein sequence and biophysical properties (such as structural, functional, and spatial information, amino acid conservation, physicochemical variation, residue mobility, and thermodynamic stability) indicates that this missense variant is not expected to disrupt BRCA2 protein function with a negative predictive value of 95%. In summary, the available evidence is currently insufficient to determine the role of this variant in disease. Therefore, it has been classified as a Variant of Uncertain Significance.